The following is an entry in ClinVar:

NM_144573.4(NEXN):c.1053+128T>C

Gene: NEXN (nexilin F-actin binding protein; plus strand). Cytogenetic location: 1p31.1.
Variant type: single nucleotide variant.
Coding change: c.1053+128T>C on transcript NM_144573.4 (MANE Select); 128 bases into the intron after coding-DNA position 1053, T replaced by C.
Molecular consequence: intron variant.
Genome position (GRCh38, 1-based): chr1:77,929,632, T>C. VCF-style: chr1-77929632-T-C. GRCh37 (hg19) VCF-style: chr1-78395317-T-C.
Other names: c.861+128T>C (NM_001172309.2).
Identifiers: ClinVar variation 675986 (VCV000675986.1), dbSNP rs74092336, ClinGen allele CA24681292.

ClinVar aggregate classification (germline): Benign (1 of 4 stars; one submission).

Allele frequency attached by ClinVar (database versions not stated): gnomAD exomes 0.00162; gnomAD 0.01730 and 0.01854; 1000 Genomes Project 0.01897; TOPMed 0.01956; 1000 Genomes Project 30x 0.02171.
gnomAD v4.1: 4,463 of 1,250,062 alleles (0.36%); highest among the groups gnomAD compares: African/African-American, 6%; 142 homozygotes.

Submission:

GeneDx
Classification: Benign. Last evaluated: 2018-06-14. Review status: criteria provided, single submitter. Criteria: GeneDx Variant Classification (06012015). Collection method: clinical testing. Allele origin: germline. Affected: yes.
Comment: This variant is considered likely benign or benign based on one or more of the following criteria: it is a conservative change, it occurs at a poorly conserved position in the protein, it is predicted to be benign by multiple in silico algorithms, and/or has population frequency not consistent with disease.